The following is an entry in ClinVar:

ClinVar aggregate classification (germline): Uncertain significance (1 of 4 stars; one submission).

gnomAD v4.1: 3 of 1,537,898 alleles (0.0002%); highest among the groups gnomAD compares: Non-Finnish European, 0.00026%; no homozygotes.

Submission:

Labcorp Genetics (formerly Invitae), Labcorp
Classification: Uncertain significance. Last evaluated: 2025-02-04. Review status: criteria provided, single submitter. Criteria: Invitae Variant Classification Sherloc (09022015). Collection method: clinical testing. Allele origin: germline.
Comment: This sequence change replaces glycine, which is neutral and non-polar, with glutamic acid, which is acidic and polar, at codon 2074 of the DSCAML1 protein (p.Gly2074Glu). This variant is not present in population databases (gnomAD no frequency). This variant has not been reported in the literature in individuals affected with DSCAML1-related conditions. An algorithm developed to predict the effect of missense changes on protein structure and function (PolyPhen-2) suggests that this variant is likely to be tolerated. In summary, the available evidence is currently insufficient to determine the role of this variant in disease. Therefore, it has been classified as a Variant of Uncertain Significance.

NM_020693.4(DSCAML1):c.6041G>A (p.Gly2014Glu)

Gene: DSCAML1 (DS cell adhesion molecule like 1; minus strand). Cytogenetic location: 11q23.3.
Variant type: single nucleotide variant.
Coding change: c.6041G>A on transcript NM_020693.4 (MANE Select); coding-DNA position 6041, G replaced by A.
Protein change: p.Gly2014Glu; replaces glycine 2014 with glutamic acid.
Molecular consequence: missense variant.
Genome position (GRCh38, 1-based): chr11:117,428,449, C>T on the plus strand (G>A on the coding strand, the complement: DSCAML1 is on the minus strand). VCF-style: chr11-117428449-C-T. GRCh37 (hg19) VCF-style: chr11-117299165-C-T.
Other names: short protein forms G2014E.
Identifiers: ClinVar variation 4712086 (VCV004712086.1).
Genomic context (GRCh38, chr11:117,428,449, plus strand): 5'-CCCGATGTGCTCATCTCGAGAAGCGAGTCCCTGGAGCCCCCCATTTTGGTGTGTGGGCCC[C>T]CGGCTCGTGGAGGCTCGGTGCTGGGGGCCGGAGGGGCAGCGCTGGGGGCGGTGGGTGGCT-3'
Protein context (NP_065744.3, residues 2004-2024): PAPSTEPPRA[Gly2014Glu]GPHTKMGGSR